The following is an entry in ClinVar:

NM_021254.4(CFAP298):c.631A>G (p.Asn211Asp)

Genes: CFAP298-TCP10L (CFAP298-TCP10L readthrough; minus strand), CFAP298 (cilia and flagella associated protein 298; minus strand). Cytogenetic location: 21q22.11.
Variant type: single nucleotide variant.
Coding change: c.631A>G on transcript NM_021254.4 (MANE Select); coding-DNA position 631, A replaced by G.
Protein change: p.Asn211Asp; replaces asparagine 211 with aspartic acid.
Molecular consequence: missense variant. On other transcripts: non-coding transcript variant (2).
Genome position (GRCh38, 1-based): chr21:32,603,196, T>C on the plus strand (A>G on the coding strand, the complement: CFAP298 is on the minus strand). VCF-style: chr21-32603196-T-C. GRCh37 (hg19) VCF-style: chr21-33975506-T-C.
Other names: c.631A>G, p.Asn211Asp (NM_001350338.2, NM_001350335.2, NM_001350336.2 and 1 more transcripts); c.334A>G, p.Asn112Asp (NM_001350334.2); short protein forms N112D, N211D.
Identifiers: ClinVar variation 1490994 (VCV001490994.8), dbSNP rs1228350373, ClinGen allele CA10002790.
Genomic context (GRCh38, chr21:32,603,196, plus strand): 5'-ACACATTAAAGCAAAAAGTACTTACTTGCTGAATCTTGGCGATAATTTTGGTTTTTTCAT[T>C]CTTCCCCACGTAGTCTGAAAGCTTCTTCGTTCTTCTCAGCTCCTTGGCTGCCCACCACAG-3'
Protein context (NP_067077.1, residues 201-221): TKKLSDYVGK[Asn211Asp]EKTKIIAKIQ

ClinVar aggregate classification (germline): Uncertain significance (1 of 4 stars; one submission).

Allele frequency attached by ClinVar (database versions not stated): gnomAD exomes below 0.00001 and 0.00001; ExAC 0.00001; TOPMed 0.00001; gnomAD 0.00002.
gnomAD v4.1: 9 of 1,614,096 alleles (0.00056%); highest among the groups gnomAD compares: Non-Finnish European, 0.00068%; no homozygotes.

Submission:

Labcorp Genetics (formerly Invitae), Labcorp
Classification: Uncertain significance. Last evaluated: 2021-01-11. Review status: criteria provided, single submitter. Criteria: Invitae Variant Classification Sherloc (09022015). Collection method: clinical testing. Allele origin: germline.
Comment: In summary, the available evidence is currently insufficient to determine the role of this variant in disease. Therefore, it has been classified as a Variant of Uncertain Significance. Algorithms developed to predict the effect of missense changes on protein structure and function are either unavailable or do not agree on the potential impact of this missense change (SIFT: "Deleterious"; PolyPhen-2: "Probably Damaging"; Align-GVGD: "Class C15"). This variant has not been reported in the literature in individuals with CFAP298-related conditions. This variant is present in population databases (no rsID available, ExAC 0.001%). This sequence change replaces asparagine with aspartic acid at codon 211 of the CFAP298 protein (p.Asn211Asp). The asparagine residue is highly conserved and there is a small physicochemical difference between asparagine and aspartic acid.